The following is an entry in ClinVar:

NM_003611.3(OFD1):c.1859C>A (p.Ser620Tyr)

Gene: OFD1 (OFD1 centriole and centriolar satellite protein; plus strand). Cytogenetic location: Xp22.2.
Variant type: single nucleotide variant.
Coding change: c.1859C>A on transcript NM_003611.3 (MANE Select); coding-DNA position 1859, C replaced by A.
Protein change: p.Ser620Tyr; replaces serine 620 with tyrosine.
Molecular consequence: missense variant.
Genome position (GRCh38, 1-based): chrX:13,760,319, C>A. VCF-style: chrX-13760319-C-A. GRCh37 (hg19) VCF-style: chrX-13778438-C-A.
Other names: c.1739C>A, p.Ser580Tyr (NM_001330209.2); c.1439C>A, p.Ser480Tyr (NM_001330210.2); short protein forms S620Y, S480Y, S580Y.
Identifiers: ClinVar variation 2939291 (VCV002939291.4), dbSNP rs768396620, ClinGen allele CA326120342.

ClinVar aggregate classification (germline): Uncertain significance. Review status: criteria provided, multiple submitters, no conflicts (2 of 4 stars). 2 submissions from 2 submitters: Uncertain significance (2). Last evaluated 2024-08-23.

Conditions:
Joubert syndrome. Also called: CEREBELLOPARENCHYMAL DISORDER IV; JOUBERT-BOLTSHAUSER SYNDROME; Familial aplasia of the vermis. Identifiers: Orphanet 475, MedGen C5979921, MONDO:0018772.
Orofaciodigital syndrome I (OFD1). Also called: OFDS I; Papillon-Leage and Psaume Syndrome; Oral-Facial-Digital Syndrome Type I. Identifiers: Orphanet 2750, MedGen C1510460, MONDO:0010702, OMIM 311200.

Allele frequency attached by ClinVar (database versions not stated): gnomAD 0.00001; TOPMed 0.00001.
gnomAD v4.1: 4 of 1,209,796 alleles (0.00033%); highest among the groups gnomAD compares: Non-Finnish European, 0.00045%; no homozygotes.

Submissions (2):

Revvity Omics, Revvity
Classification: Uncertain significance. Last evaluated: 2024-08-23. Review status: criteria provided, single submitter. Criteria: ACMG Guidelines, 2015. Collection method: clinical testing. Allele origin: germline.

Labcorp Genetics (formerly Invitae), Labcorp
Classification: Uncertain significance for Orofaciodigital syndrome I; Joubert syndrome. Last evaluated: 2023-11-20. Review status: criteria provided, single submitter. Criteria: Invitae Variant Classification Sherloc (09022015). Collection method: clinical testing. Allele origin: germline.
Comment: This sequence change replaces serine, which is neutral and polar, with tyrosine, which is neutral and polar, at codon 620 of the OFD1 protein (p.Ser620Tyr). This variant is present in population databases (no rsID available, gnomAD 0.001%). This variant has not been reported in the literature in individuals affected with OFD1-related conditions. Advanced modeling of protein sequence and biophysical properties (such as structural, functional, and spatial information, amino acid conservation, physicochemical variation, residue mobility, and thermodynamic stability) performed at Invitae indicates that this missense variant is expected to disrupt OFD1 protein function with a positive predictive value of 80%. In summary, the available evidence is currently insufficient to determine the role of this variant in disease. Therefore, it has been classified as a Variant of Uncertain Significance.